The following is an entry in ClinVar:

NM_001080517.3(SETD5):c.4055C>G (p.Pro1352Arg)

Gene: SETD5 (SET domain containing 5; plus strand). Cytogenetic location: 3p25.3.
Variant type: single nucleotide variant.
Coding change: c.4055C>G on transcript NM_001080517.3 (MANE Select); coding-DNA position 4055, C replaced by G.
Protein change: p.Pro1352Arg; replaces proline 1352 with arginine.
Molecular consequence: missense variant.
Genome position (GRCh38, 1-based): chr3:9,475,817, C>G. VCF-style: chr3-9475817-C-G. GRCh37 (hg19) VCF-style: chr3-9517501-C-G.
Other names: c.3761C>G, p.Pro1254Arg (NM_001292043.2, NM_001349451.2); short protein forms P1254R, P1352R.
Identifiers: ClinVar variation 1512616 (VCV001512616.8), dbSNP rs774836101, ClinGen allele CA351693974.

ClinVar aggregate classification (germline): Uncertain significance (1 of 4 stars; one submission).

Submission:

Labcorp Genetics (formerly Invitae), Labcorp
Classification: Uncertain significance. Last evaluated: 2022-08-16. Review status: criteria provided, single submitter. Criteria: Invitae Variant Classification Sherloc (09022015). Collection method: clinical testing. Allele origin: germline.
Comment: This variant has not been reported in the literature in individuals affected with SETD5-related conditions. This variant is not present in population databases (gnomAD no frequency). This sequence change replaces proline, which is neutral and non-polar, with arginine, which is basic and polar, at codon 1352 of the SETD5 protein (p.Pro1352Arg). ClinVar contains an entry for this variant (Variation ID: 1512616). In summary, the available evidence is currently insufficient to determine the role of this variant in disease. Therefore, it has been classified as a Variant of Uncertain Significance. Algorithms developed to predict the effect of missense changes on protein structure and function (SIFT, PolyPhen-2, Align-GVGD) all suggest that this variant is likely to be tolerated.